The following is an entry in ClinVar:

ClinVar aggregate classification (germline): Uncertain significance (1 of 4 stars; one submission).

Conditions:
Autoimmune lymphoproliferative syndrome type 2B. Also called: AUTOIMMUNE LYMPHOPROLIFERATIVE SYNDROME, TYPE IIB. Identifiers: Orphanet 275517, MedGen C1846545, MONDO:0011804, OMIM 607271.

Allele frequency attached by ClinVar (database versions not stated): TOPMed below 0.00001.
gnomAD v4.1: 2 of 1,613,376 alleles (0.00012%); highest among the groups gnomAD compares: Admixed American, 0.0017%; no homozygotes.

Submissions (2):

Labcorp Genetics (formerly Invitae), Labcorp
Classification: Uncertain significance for Autoimmune lymphoproliferative syndrome type 2B. Last evaluated: 2023-02-14. Review status: criteria provided, single submitter. Criteria: Invitae Variant Classification Sherloc (09022015). Collection method: clinical testing. Allele origin: germline.
Comment: The frequency data for this variant in the population databases is considered unreliable, as metrics indicate poor data quality at this position in the gnomAD database. This sequence change creates a premature translational stop signal (p.Arg449*) in the CASP8 gene. While this is not anticipated to result in nonsense mediated decay, it is expected to disrupt the last 48 amino acid(s) of the CASP8 protein. In summary, the available evidence is currently insufficient to determine the role of this variant in disease. Therefore, it has been classified as a Variant of Uncertain Significance. This variant has not been reported in the literature in individuals affected with CASP8-related conditions.

Dr. Peter K. Rogan Lab, Western University
No classification provided (evidence only). Condition: Malignant tumor of urinary bladder. Review status: no classification provided. Collection method: in vitro. Allele origin: not applicable. Functional consequence: retained intron. Not counted in ClinVar's aggregate classification.

NM_001372051.1(CASP8):c.1294C>T (p.Arg432Ter)

Gene: CASP8 (caspase 8; plus strand). Cytogenetic location: 2q33.1.
Variant type: single nucleotide variant.
Coding change: c.1294C>T on transcript NM_001372051.1 (MANE Select); coding-DNA position 1294, C replaced by T.
Protein change: p.Arg432Ter; replaces arginine 432 with a stop codon.
Molecular consequence: nonsense. On other transcripts: non-coding transcript variant (22).
Genome position (GRCh38, 1-based): chr2:201,285,307, C>T. VCF-style: chr2-201285307-C-T. GRCh37 (hg19) VCF-style: chr2-202150030-C-T.
Other names: c.1249C>T, p.Arg417Ter (NM_001080124.2, NM_001400658.1, NM_001400659.1 and 5 more transcripts); c.1471C>T, p.Arg491Ter (NM_001080125.2); c.1345C>T, p.Arg449Ter (NM_001228.5); c.1426C>T, p.Arg476Ter (NM_001400642.1); c.1327C>T, p.Arg443Ter (NM_001400645.1); c.1294C>T, p.Arg432Ter (NM_001400648.1, NM_001400651.1, NM_001400653.1 and 5 more transcripts); c.1225C>T, p.Arg409Ter (NM_001400664.1); c.1219C>T, p.Arg407Ter (NM_001400665.1); and 7 more; short protein forms R227*, R233*, R363*, R409*, R443*, R283*, R329*, R348*.
Identifiers: ClinVar variation 2780013 (VCV002780013.4), dbSNP rs931648756, ClinGen allele CA63892961.